The following is an entry in ClinVar:

NM_199420.4(POLQ):c.1946A>G (p.His649Arg)

Gene: POLQ (DNA polymerase theta; minus strand). Cytogenetic location: 3q13.33.
Variant type: single nucleotide variant.
Coding change: c.1946A>G on transcript NM_199420.4 (MANE Select); coding-DNA position 1946, A replaced by G.
Protein change: p.His649Arg; replaces histidine 649 with arginine.
Molecular consequence: missense variant.
Genome position (GRCh38, 1-based): chr3:121,509,574, T>C on the plus strand (A>G on the coding strand, the complement: POLQ is on the minus strand). VCF-style: chr3-121509574-T-C. GRCh37 (hg19) VCF-style: chr3-121228421-T-C.
Other names: short protein forms H649R.
Identifiers: ClinVar variation 3422480 (VCV003422480.1).

ClinVar aggregate classification (germline): Uncertain significance (1 of 4 stars; one submission).

gnomAD v4.1: 2 of 1,611,922 alleles (0.00012%); highest among the groups gnomAD compares: Non-Finnish European, 0.000085%; no homozygotes.

Submission:

Ambry Genetics
Classification: Uncertain significance. Last evaluated: 2024-08-04. Review status: criteria provided, single submitter. Criteria: Ambry Variant Classification Scheme 2023. Collection method: clinical testing. Allele origin: germline.
Comment: The p.H649R variant (also known as c.1946A>G), located in coding exon 12 of the POLQ gene, results from an A to G substitution at nucleotide position 1946. The histidine at codon 649 is replaced by arginine, an amino acid with highly similar properties. This amino acid position is conserved. In addition, this alteration is predicted to be deleterious by in silico analysis. Based on the available evidence, the clinical significance of this variant remains unclear.